The following is an entry in ClinVar:

NM_001235.5(SERPINH1):c.707T>C (p.Met236Thr)

Gene: SERPINH1 (serpin family H member 1; plus strand). Cytogenetic location: 11q13.5.
Variant type: single nucleotide variant.
Coding change: c.707T>C on transcript NM_001235.5 (MANE Select); coding-DNA position 707, T replaced by C.
Protein change: p.Met236Thr; replaces methionine 236 with threonine.
Molecular consequence: missense variant.
Genome position (GRCh38, 1-based): chr11:75,568,815, T>C. VCF-style: chr11-75568815-T-C. GRCh37 (hg19) VCF-style: chr11-75279860-T-C.
Other names: c.707T>C, p.Met236Thr (NM_001207014.3); short protein forms M236T.
Identifiers: ClinVar variation 2131812 (VCV002131812.4), dbSNP rs991387889, ClinGen allele CA224683861.
Genomic context (GRCh38, chr11:75,568,815, plus strand): 5'-ACAAGATGGTGGACAACCGTGGCTTCATGGTGACTCGGTCCTATACCGTGGGTGTCATGA[T>C]GATGCACCGGACAGGTAGGTGCTGTGAGGAGCAGGGTGTCAAGGTGGGTGGGGGTCCAAG-3'
Protein context (NP_001226.2, residues 226-246): VTRSYTVGVM[Met236Thr]MHRTGLYNYY

ClinVar aggregate classification (germline): Uncertain significance (1 of 4 stars; one submission).

Allele frequency attached by ClinVar (database versions not stated): TOPMed below 0.00001; gnomAD 0.00001; gnomAD exomes 0.00001.
gnomAD v4.1: 8 of 1,613,196 alleles (0.0005%); highest among the groups gnomAD compares: Non-Finnish European, 0.00068%; no homozygotes.

Submission:

Labcorp Genetics (formerly Invitae), Labcorp
Classification: Uncertain significance. Last evaluated: 2022-04-29. Review status: criteria provided, single submitter. Criteria: Invitae Variant Classification Sherloc (09022015). Collection method: clinical testing. Allele origin: germline.
Comment: This sequence change replaces methionine, which is neutral and non-polar, with threonine, which is neutral and polar, at codon 236 of the SERPINH1 protein (p.Met236Thr). This variant is not present in population databases (gnomAD no frequency). This variant has not been reported in the literature in individuals affected with SERPINH1-related conditions. Advanced modeling of protein sequence and biophysical properties (such as structural, functional, and spatial information, amino acid conservation, physicochemical variation, residue mobility, and thermodynamic stability) performed at Invitae indicates that this missense variant is not expected to disrupt SERPINH1 protein function. In summary, the available evidence is currently insufficient to determine the role of this variant in disease. Therefore, it has been classified as a Variant of Uncertain Significance.